The following is an entry in ClinVar:

ClinVar aggregate classification (germline): Uncertain significance (1 of 4 stars; one submission).

Conditions:
Axenfeld-Rieger syndrome type 3 (RIEG3). Also called: AXENFELD-RIEGER ANOMALY WITH CARDIAC DEFECTS AND/OR SENSORINEURAL HEARING LOSS. Identifiers: Orphanet 782, MedGen C2678503, MONDO:0011233, OMIM 602482.

gnomAD v4.1: 10 of 1,540,726 alleles (0.00065%); highest among the groups gnomAD compares: South Asian, 0.0096%; no homozygotes.

Submission:

Labcorp Genetics (formerly Invitae), Labcorp
Classification: Uncertain significance for Axenfeld-Rieger syndrome type 3. Last evaluated: 2024-01-18. Review status: criteria provided, single submitter. Criteria: Invitae Variant Classification Sherloc (09022015). Collection method: clinical testing. Allele origin: germline.
Comment: This sequence change affects codon 479 of the FOXC1 mRNA. It is a 'silent' change, meaning that it does not change the encoded amino acid sequence of the FOXC1 protein. This variant is present in population databases (no rsID available, gnomAD 0.01%). This variant has not been reported in the literature in individuals affected with FOXC1-related conditions. In summary, the available evidence is currently insufficient to determine the role of this variant in disease. Therefore, it has been classified as a Variant of Uncertain Significance.

NM_001453.3(FOXC1):c.1437C>T (p.Gly479=)

Gene: FOXC1 (forkhead box C1; plus strand). Cytogenetic location: 6p25.3.
Variant type: single nucleotide variant.
Coding change: c.1437C>T on transcript NM_001453.3 (MANE Select); coding-DNA position 1437, C replaced by T.
Protein change: p.Gly479=; no amino-acid change (glycine 479 retained).
Molecular consequence: synonymous variant.
Genome position (GRCh38, 1-based): chr6:1,611,882, C>T. VCF-style: chr6-1611882-C-T. GRCh37 (hg19) VCF-style: chr6-1612117-C-T.
Identifiers: ClinVar variation 2988207 (VCV002988207.3), dbSNP rs1191749991, ClinGen allele CA448394423.